The following is an entry in ClinVar:

ClinVar aggregate classification (germline): Uncertain significance. Review status: criteria provided, multiple submitters, no conflicts (2 of 4 stars). 2 submissions from 2 submitters: Uncertain significance (2). Last evaluated 2024-10-23.

Conditions:
Sulfite oxidase deficiency due to molybdenum cofactor deficiency type A. Also called: Molybdenum Cofactor Deficiency A; Molybdenum cofactor deficiency, complementation group A. Identifiers: Orphanet 308386, Orphanet 833, MedGen C1854988, MONDO:0009643, OMIM 252150.

Allele frequency attached by ClinVar (database versions not stated): ExAC 0.00001; gnomAD exomes 0.00001.
gnomAD v4.1: 14 of 1,614,194 alleles (0.00087%); highest among the groups gnomAD compares: Non-Finnish European, 0.0012%; no homozygotes.

Submissions (2):

Labcorp Genetics (formerly Invitae), Labcorp
Classification: Uncertain significance for Sulfite oxidase deficiency due to molybdenum cofactor deficiency type A. Last evaluated: 2024-10-23. Review status: criteria provided, single submitter. Criteria: Invitae Variant Classification Sherloc (09022015). Collection method: clinical testing. Allele origin: germline.
Comment: This sequence change replaces glycine, which is neutral and non-polar, with valine, which is neutral and non-polar, at codon 238 of the MOCS1 protein (p.Gly238Val). This variant is present in population databases (rs778501170, gnomAD 0.002%). This variant has not been reported in the literature in individuals affected with MOCS1-related conditions. ClinVar contains an entry for this variant (Variation ID: 1443732). An algorithm developed to predict the effect of missense changes on protein structure and function (PolyPhen-2) suggests that this variant is likely to be tolerated. In summary, the available evidence is currently insufficient to determine the role of this variant in disease. Therefore, it has been classified as a Variant of Uncertain Significance.

Fulgent Genetics
Classification: Uncertain significance for Sulfite oxidase deficiency due to molybdenum cofactor deficiency type A. Last evaluated: 2024-06-01. Review status: criteria provided, single submitter. Criteria: ACMG Guidelines, 2015. Collection method: clinical testing. Allele origin: germline.

NM_001358530.2(MOCS1):c.713G>T (p.Gly238Val)

Gene: MOCS1 (molybdenum cofactor synthesis 1; minus strand). Cytogenetic location: 6p21.2.
Variant type: single nucleotide variant.
Coding change: c.713G>T on transcript NM_001358530.2 (MANE Select); coding-DNA position 713, G replaced by T.
Protein change: p.Gly238Val; replaces glycine 238 with valine.
Molecular consequence: missense variant. On other transcripts: non-coding transcript variant (1).
Genome position (GRCh38, 1-based): chr6:39,913,361, C>A on the plus strand (G>T on the coding strand, the complement: MOCS1 is on the minus strand). VCF-style: chr6-39913361-C-A. GRCh37 (hg19) VCF-style: chr6-39881105-C-A.
Other names: c.713G>T (NM_005943.5); c.713G>T, p.Gly238Val (NM_001075098.4, NM_001358529.2, NM_005943.6); c.452G>T, p.Gly151Val (NM_001358531.2, NM_001358533.2, NM_001358534.2); short protein forms G238V, G151V.
Identifiers: ClinVar variation 1443732 (VCV001443732.8), dbSNP rs778501170, ClinGen allele CA3796175.